The following is an entry in ClinVar:

NM_000051.4(ATM):c.2480A>G (p.Lys827Arg)

Gene: ATM (ATM serine/threonine kinase; plus strand). Cytogenetic location: 11q22.3.
Variant type: single nucleotide variant.
Coding change: c.2480A>G on transcript NM_000051.4 (MANE Select); coding-DNA position 2480, A replaced by G.
Protein change: p.Lys827Arg; replaces lysine 827 with arginine.
Molecular consequence: missense variant.
Genome position (GRCh38, 1-based): chr11:108,267,184, A>G. VCF-style: chr11-108267184-A-G. GRCh37 (hg19) VCF-style: chr11-108137911-A-G.
Other names: c.2480A>G, p.Lys827Arg (NM_001351834.2); short protein forms K827R.
Identifiers: ClinVar variation 216194 (VCV000216194.16), dbSNP rs372230498, ClinGen allele CA337420.
Genomic context (GRCh38, chr11:108,267,184, plus strand): 5'-CTCCTGCAAGAAGCCATCTTGAACATCTTTGTTTCTCTTCCTTGAAGGCATCCTTCATCA[A>G]AAAGCCATTTGACCGTGGAGAAGTAGAATCAATGGAAGATGATACTAATGGAAATCTAAT-3'
Protein context (NP_000042.3, residues 817-837): DICKSLASFI[Lys827Arg]KPFDRGEVES

ClinVar aggregate classification (germline): Conflicting classifications of pathogenicity. Review status: criteria provided, conflicting classifications (1 of 4 stars). 6 submissions from 6 submitters: Uncertain significance (4); Likely benign (1). 1 of the submissions does not count toward it. Last evaluated 2025-11-05.

Conditions:
Hereditary cancer-predisposing syndrome. Also called: Tumor predisposition; Hereditary Cancer Syndrome; Neoplastic Syndromes, Hereditary; Hereditary neoplastic syndrome. Identifiers: Orphanet 140162, MedGen C0027672, MeSH D009386, MONDO:0015356.
Ataxia-telangiectasia syndrome (AT). Also called: Cerebello-oculocutaneous telangiectasia; Immunodeficiency with ataxia telangiectasia; Ataxia telangiectasia (A-T); LOUIS-BAR SYNDROME; ATAXIA-TELANGIECTASIA, COMPLEMENTATION GROUP A; ATAXIA-TELANGIECTASIA, FRESNO VARIANT. Identifiers: Orphanet 100, MedGen C0004135, MONDO:0008840, OMIM 208900.
Familial cancer of breast. Also called: Hereditary breast cancer; BREAST CANCER, FAMILIAL; hereditary breast carcinoma. Identifiers: Orphanet 227535, MedGen C0346153, MONDO:0016419, OMIM 114480. Disease mechanism: loss of function.

Allele frequency attached by ClinVar (database versions not stated): ExAC 0.00001; ESP Exome Variant Server 0.00008; gnomAD 0.00001; TOPMed 0.00001.
gnomAD v4.1: 1 of 1,613,976 alleles (0.000062%); highest among the groups gnomAD compares: Non-Finnish European, 0.000085%; no homozygotes.

Submissions (6):

Labcorp Genetics (formerly Invitae), Labcorp
Classification: Uncertain significance for Ataxia-telangiectasia syndrome. Last evaluated: 2025-11-05. Review status: criteria provided, single submitter. Criteria: Invitae Variant Classification Sherloc (09022015). Collection method: clinical testing. Allele origin: germline.
Comment: This sequence change replaces lysine, which is basic and polar, with arginine, which is basic and polar, at codon 827 of the ATM protein (p.Lys827Arg). This variant is present in population databases (rs372230498, gnomAD 0.007%). This missense change has been observed in individual(s) with a personal or family history of hereditary breast and/or ovarian cancer (PMID: 25186627, 31159747). ClinVar contains an entry for this variant (Variation ID: 216194). Invitae Evidence Modeling of protein sequence and biophysical properties (such as structural, functional, and spatial information, amino acid conservation, physicochemical variation, residue mobility, and thermodynamic stability) indicates that this missense variant is not expected to disrupt ATM protein function with a negative predictive value of 95%. In summary, the available evidence is currently insufficient to determine the role of this variant in disease. Therefore, it has been classified as a Variant of Uncertain Significance.

Ambry Genetics
Classification: Likely benign for Hereditary cancer-predisposing syndrome. Last evaluated: 2024-03-21. Review status: criteria provided, single submitter. Criteria: Ambry Variant Classification Scheme 2023. Collection method: clinical testing. Allele origin: germline.

Baylor Genetics
Classification: Uncertain significance for Familial cancer of breast. Last evaluated: 2023-08-12. Review status: criteria provided, single submitter. Criteria: ACMG Guidelines, 2015. Collection method: clinical testing. Allele origin: unknown.

Sema4
Classification: Uncertain significance for Hereditary cancer-predisposing syndrome. Last evaluated: 2021-09-24. Review status: criteria provided, single submitter. Criteria: Sema4 Curation Guidelines. Collection method: curation. Allele origin: germline.
Comment: The ATM c.2480A>G (p.K827R) variant has been reported in individuals with a family or personal history of breast and/or ovarian cancer as well as in controls (PMID: 31159747, 25186627, 19781682). It was not observed in the large and broad cohorts of the Genome Aggregation Database (PMID: 32461654) The variant has been reported in ClinVar (Variation ID 216194). In silico tools suggest the impact of the variant on protein function is benign though these predictions have not been confirmed by functional studies. The evidence is insufficient to meet ACMG/AMP criteria for classifying the variant as benign or pathogenic. Thus, the clinical significance of this variant is currently uncertain.

GeneKor MSA
Classification: Uncertain significance for Hereditary cancer-predisposing syndrome. Last evaluated: 2018-08-01. Review status: criteria provided, single submitter. Criteria: ACMG Guidelines, 2015. Collection method: clinical testing. Allele origin: germline.

Natera, Inc.
Classification: Uncertain significance for Ataxia-telangiectasia. Last evaluated: 2020-09-16. Review status: no assertion criteria provided. Collection method: clinical testing. Allele origin: germline. Not counted in ClinVar's aggregate classification.

Literature cited by the submitters: PubMed 25186627 (cited by 3 submitters); PubMed 31159747 (cited by 3 submitters); PubMed 19781682 (cited by Ambry Genetics and Sema4).